The following is an entry in ClinVar:

NM_000719.7(CACNA1C):c.6269C>T (p.Pro2090Leu)

Genes: CACNA1C (calcium voltage-gated channel subunit alpha1 C; plus strand), CACNA1C-AS1 (CACNA1C antisense RNA 1; minus strand). Cytogenetic location: 12p13.33.
Variant type: single nucleotide variant.
Coding change: c.6269C>T on transcript NM_000719.7 (MANE Select); coding-DNA position 6269, C replaced by T.
Protein change: p.Pro2090Leu; replaces proline 2090 with leucine.
Molecular consequence: missense variant.
Genome position (GRCh38, 1-based): chr12:2,691,051, C>T. VCF-style: chr12-2691051-C-T. GRCh37 (hg19) VCF-style: chr12-2800217-C-T.
Other names: c.6413C>T, p.Pro2138Leu (NM_001129827.2); c.6392C>T, p.Pro2131Leu (NM_001129829.2); c.6374C>T, p.Pro2125Leu (NM_001129830.3, NM_001167624.3); c.6353C>T, p.Pro2118Leu (NM_001129831.2); c.6329C>T, p.Pro2110Leu (NM_001129832.2); c.6326C>T, p.Pro2109Leu (NM_001129833.2, NM_001129834.2, NM_001129835.2); c.6320C>T, p.Pro2107Leu (NM_001129836.2); c.6293C>T, p.Pro2098Leu (NM_001129837.2, NM_001129838.2); and 6 more; short protein forms P2079L, P2087L, P2090L, P2096L, P2098L, P2107L, P2109L, P2110L.
Identifiers: ClinVar variation 3573758 (VCV003573758.1).
Genomic context (GRCh38, chr12:2,691,051, plus strand): 5'-CCATAGAGGAGATGGAGAGCGCGGCCGACAACATCCTCAGCGGGGGCGCCCCACAGAGCC[C>T]CAATGGCGCCCTCTTACCCTTTGTGAACTGCAGGGACGCGGGGCAGGACCGAGCCGGGGG-3'
Protein context (NP_000710.5, residues 2080-2100): NILSGGAPQS[Pro2090Leu]NGALLPFVNC

ClinVar aggregate classification (germline): Uncertain significance (1 of 4 stars; one submission).

gnomAD v4.1: 4 of 1,606,344 alleles (0.00025%); highest among the groups gnomAD compares: Non-Finnish European, 0.00034%; no homozygotes.

Submission:

GeneDx
Classification: Uncertain significance. Last evaluated: 2024-07-14. Review status: criteria provided, single submitter. Criteria: GeneDx Variant Classification Process June 2021. Collection method: clinical testing. Allele origin: germline. Affected: yes.
Comment: Not observed at significant frequency in large population cohorts (gnomAD); In silico analysis supports that this missense variant has a deleterious effect on protein structure/function; Has not been previously published as pathogenic or benign to our knowledge